The following is an entry in ClinVar:

NM_003126.4(SPTA1):c.757G>C (p.Ala253Pro)

Gene: SPTA1 (spectrin alpha, erythrocytic 1; minus strand). Cytogenetic location: 1q23.1.
Variant type: single nucleotide variant.
Coding change: c.757G>C on transcript NM_003126.4 (MANE Select); coding-DNA position 757, G replaced by C.
Protein change: p.Ala253Pro; replaces alanine 253 with proline.
Molecular consequence: missense variant.
Genome position (GRCh38, 1-based): chr1:158,678,456, C>G on the plus strand (G>C on the coding strand, the complement: SPTA1 is on the minus strand). VCF-style: chr1-158678456-C-G. GRCh37 (hg19) VCF-style: chr1-158648246-C-G.
Other names: p.Ala253Pro; c.757G>C (NM_003126.2); short protein forms A253P.
Identifiers: ClinVar variation 2436363 (VCV002436363.8), dbSNP rs1384649105, ClinGen allele CA343019462.

ClinVar aggregate classification (germline): Uncertain significance. Review status: criteria provided, multiple submitters, no conflicts (2 of 4 stars). 4 submissions from 4 submitters: Uncertain significance (4). Last evaluated 2025-01-22.

Allele frequency attached by ClinVar (database versions not stated): TOPMed below 0.00001; gnomAD 0.00001.
gnomAD v4.1: 1 of 1,613,622 alleles (0.000062%); highest among the groups gnomAD compares: African/African-American, 0.0013%; no homozygotes.

Submissions (4):

Mayo Clinic Laboratories, Mayo Clinic
Classification: Uncertain significance. Last evaluated: 2025-01-22. Review status: criteria provided, single submitter. Criteria: ACMG Guidelines, 2015. Collection method: clinical testing. Allele origin: germline. Observed: 1 variant allele.
Comment: PM2_supporting

Ambry Genetics
Classification: Uncertain significance. Last evaluated: 2024-12-24. Review status: criteria provided, single submitter. Criteria: Ambry Variant Classification Scheme 2023. Collection method: clinical testing. Allele origin: germline.

Revvity Omics, Revvity
Classification: Uncertain significance. Last evaluated: 2024-10-28. Review status: criteria provided, single submitter. Criteria: ACMG Guidelines, 2015. Collection method: clinical testing. Allele origin: germline.

Labcorp Genetics (formerly Invitae), Labcorp
Classification: Uncertain significance. Last evaluated: 2024-06-02. Review status: criteria provided, single submitter. Criteria: Invitae Variant Classification Sherloc (09022015). Collection method: clinical testing. Allele origin: germline.
Comment: This sequence change replaces alanine, which is neutral and non-polar, with proline, which is neutral and non-polar, at codon 253 of the SPTA1 protein (p.Ala253Pro). This variant is not present in population databases (gnomAD no frequency). This variant has not been reported in the literature in individuals affected with SPTA1-related conditions. ClinVar contains an entry for this variant (Variation ID: 2436363). Advanced modeling of protein sequence and biophysical properties (such as structural, functional, and spatial information, amino acid conservation, physicochemical variation, residue mobility, and thermodynamic stability) performed at Invitae indicates that this missense variant is not expected to disrupt SPTA1 protein function with a negative predictive value of 80%. In summary, the available evidence is currently insufficient to determine the role of this variant in disease. Therefore, it has been classified as a Variant of Uncertain Significance.